The following is an entry in ClinVar:

ClinVar aggregate classification (germline): Uncertain significance. Review status: criteria provided, multiple submitters, no conflicts (2 of 4 stars). 2 submissions from 2 submitters: Uncertain significance (2). Last evaluated 2024-03-16.

Conditions:
Hereditary cancer-predisposing syndrome. Also called: Neoplastic Syndromes, Hereditary; Hereditary Cancer Syndrome; Hereditary neoplastic syndrome; Tumor predisposition. Identifiers: Orphanet 140162, MedGen C0027672, MeSH D009386, MONDO:0015356.
Cardiovascular phenotype. Identifiers: MedGen CN230736.
Neurofibromatosis, type 1 (NF1). Also called: Neurofibromatosis, type I; Peripheral type neurofibromatosis; VON RECKLINGHAUSEN DISEASE; NEUROFIBROMATOSIS, TYPE I, SOMATIC. Identifiers: Orphanet 636, MedGen C0027831, MONDO:0018975, OMIM 162200. Disease mechanism: loss of function.

Submissions (2):

Labcorp Genetics (formerly Invitae), Labcorp
Classification: Uncertain significance for Neurofibromatosis, type 1. Last evaluated: 2024-03-16. Review status: criteria provided, single submitter. Criteria: Invitae Variant Classification Sherloc (09022015). Collection method: clinical testing. Allele origin: germline.
Comment: This sequence change replaces leucine, which is neutral and non-polar, with phenylalanine, which is neutral and non-polar, at codon 1339 of the NF1 protein (p.Leu1339Phe). This variant is not present in population databases (gnomAD no frequency). This variant has not been reported in the literature in individuals affected with NF1-related conditions. ClinVar contains an entry for this variant (Variation ID: 824502). Advanced modeling of protein sequence and biophysical properties (such as structural, functional, and spatial information, amino acid conservation, physicochemical variation, residue mobility, and thermodynamic stability) performed at Invitae indicates that this missense variant is expected to disrupt NF1 protein function with a positive predictive value of 95%. This variant disrupts the p.Leu1339 amino acid residue in NF1. Other variant(s) that disrupt this residue have been determined to be pathogenic (PMID: 27322474). This suggests that this residue is clinically significant, and that variants that disrupt this residue are likely to be disease-causing. In summary, the available evidence is currently insufficient to determine the role of this variant in disease. Therefore, it has been classified as a Variant of Uncertain Significance.

Ambry Genetics
Classification: Uncertain significance for Cardiovascular phenotype; Hereditary cancer-predisposing syndrome. Last evaluated: 2019-05-24. Review status: criteria provided, single submitter. Criteria: Ambry Variant Classification Scheme 2023. Collection method: clinical testing. Allele origin: germline.
Comment: The p.L1339F variant (also known as c.4015C>T), located in coding exon 30 of the NF1 gene, results from a C to T substitution at nucleotide position 4015. The leucine at codon 1339 is replaced by phenylalanine, an amino acid with highly similar properties. This amino acid position is highly conserved in available vertebrate species. In addition, this alteration is predicted to be deleterious by in silico analysis. Since supporting evidence is limited at this time, the clinical significance of this alteration remains unclear.

Literature cited by the submitters: PubMed 27322474 (cited by Labcorp Genetics (formerly Invitae), Labcorp).

NM_001042492.3(NF1):c.4015C>T (p.Leu1339Phe)

Gene: NF1 (neurofibromin 1; plus strand). Cytogenetic location: 17q11.2.
Variant type: single nucleotide variant.
Coding change: c.4015C>T on transcript NM_001042492.3 (MANE Select); coding-DNA position 4015, C replaced by T.
Protein change: p.Leu1339Phe; replaces leucine 1339 with phenylalanine.
Molecular consequence: missense variant.
Genome position (GRCh38, 1-based): chr17:31,249,024, C>T. VCF-style: chr17-31249024-C-T. GRCh37 (hg19) VCF-style: chr17-29576042-C-T.
Other names: c.4015C>T, p.Leu1339Phe (NM_000267.4); short protein forms L1339F.
Identifiers: ClinVar variation 824502 (VCV000824502.6), dbSNP rs876660466, ClinGen allele CA398994894.
Genomic context (GRCh38, chr17:31,249,024, plus strand): 5'-TTATTTTTATTTTTTTGTAGGTTAGAACCATCAGAGAGCCTTGAGGAAAACCAGCGGAAC[C>T]TCCTTCAGATGACTGAAAAGTTCTTCCATGCCATCATCAGTTCCTCCTCAGAATTCCCCC-3'
Protein context (NP_001035957.1, residues 1329-1349): SESLEENQRN[Leu1339Phe]LQMTEKFFHA